The following is an entry in ClinVar:

NM_020529.3(NFKBIA):c.46C>G (p.Pro16Ala)

Genes: NFKBIA (NFKB inhibitor alpha; minus strand), LOC130055497 (ATAC-STARR-seq lymphoblastoid silent region 5676; plus strand). Cytogenetic location: 14q13.2.
Variant type: single nucleotide variant.
Coding change: c.46C>G on transcript NM_020529.3 (MANE Select); coding-DNA position 46, C replaced by G.
Protein change: p.Pro16Ala; replaces proline 16 with alanine.
Molecular consequence: missense variant.
Genome position (GRCh38, 1-based): chr14:35,404,599, G>C on the plus strand (C>G on the coding strand, the complement: NFKBIA is on the minus strand). VCF-style: chr14-35404599-G-C. GRCh37 (hg19) VCF-style: chr14-35873805-G-C.
Other names: short protein forms P16A.
Identifiers: ClinVar variation 1714669 (VCV001714669.6), dbSNP rs1439671395, ClinGen allele CA389455431.

ClinVar aggregate classification (germline): Uncertain significance (1 of 4 stars; one submission).

Conditions:
Ectodermal dysplasia and immunodeficiency 2. Identifiers: Orphanet 238468, Orphanet 98813, MedGen C2677481, MONDO:0012806, OMIM 612132.

Submission:

Labcorp Genetics (formerly Invitae), Labcorp
Classification: Uncertain significance for Ectodermal dysplasia and immunodeficiency 2. Last evaluated: 2022-08-01. Review status: criteria provided, single submitter. Criteria: Invitae Variant Classification Sherloc (09022015). Collection method: clinical testing. Allele origin: germline.
Comment: In summary, the available evidence is currently insufficient to determine the role of this variant in disease. Therefore, it has been classified as a Variant of Uncertain Significance. Algorithms developed to predict the effect of missense changes on protein structure and function (SIFT, PolyPhen-2, Align-GVGD) all suggest that this variant is likely to be tolerated. This variant has not been reported in the literature in individuals affected with NFKBIA-related conditions. This variant is not present in population databases (gnomAD no frequency). This sequence change replaces proline, which is neutral and non-polar, with alanine, which is neutral and non-polar, at codon 16 of the NFKBIA protein (p.Pro16Ala).